The following is an entry in ClinVar:

ClinVar aggregate classification (germline): Likely benign (1 of 4 stars; one submission).

Submission:

CeGaT Center for Human Genetics Tuebingen
Classification: Likely benign. Last evaluated: 2022-05-01. Review status: criteria provided, single submitter. Criteria: CeGaT Center For Human Genetics Tuebingen Variant Classification Criteria Version 2. Collection method: clinical testing. Allele origin: germline. Affected: yes. Observed: 1 variant allele.
Comment: PSMB4: PM2:Supporting, BP4, BP7

NM_002796.3(PSMB4):c.321T>C (p.Tyr107=)

Gene: PSMB4 (proteasome 20S subunit beta 4; plus strand). Cytogenetic location: 1q21.3.
Variant type: single nucleotide variant.
Coding change: c.321T>C on transcript NM_002796.3 (MANE Select); coding-DNA position 321, T replaced by C.
Protein change: p.Tyr107=; no amino-acid change (tyrosine 107 retained).
Molecular consequence: synonymous variant.
Genome position (GRCh38, 1-based): chr1:151,400,161, T>C. VCF-style: chr1-151400161-T-C. GRCh37 (hg19) VCF-style: chr1-151372637-T-C.
Identifiers: ClinVar variation 2639172 (VCV002639172.24), dbSNP rs2529156723, ClinGen allele CA420747267.